The following is an entry in ClinVar:

ClinVar aggregate classification (germline): Pathogenic (1 of 4 stars; one submission).

Conditions:
Hereditary hemorrhagic telangiectasia (HHT). Also called: ORW DISEASE; Osler Weber Rendu syndrome; OSLER-RENDU-WEBER DISEASE; Osler hemorrhagic telangiectasia syndrome. Identifiers: Orphanet 774, MedGen C0039445, MONDO:0019180. Disease mechanism: loss of function.

Submission:

Labcorp Genetics (formerly Invitae), Labcorp
Classification: Pathogenic for Hereditary hemorrhagic telangiectasia. Last evaluated: 2022-04-30. Review status: criteria provided, single submitter. Criteria: Invitae Variant Classification Sherloc (09022015). Collection method: clinical testing. Allele origin: germline.
Comment: This variant is not present in population databases (gnomAD no frequency). For these reasons, this variant has been classified as Pathogenic. This variant has not been reported in the literature in individuals affected with ENG-related conditions. This sequence change creates a premature translational stop signal (p.Val323Cysfs*11) in the ENG gene. It is expected to result in an absent or disrupted protein product. Loss-of-function variants in ENG are known to be pathogenic (PMID: 15879500).

Literature cited by the submitters: PubMed 15879500.

NM_001114753.3(ENG):c.966dup (p.Val323fs)

Gene: ENG (endoglin; minus strand). Cytogenetic location: 9q34.11.
Variant type: Duplication.
Coding change: c.966dup on transcript NM_001114753.3 (MANE Select); coding-DNA position 966, one base duplicated (T; older notation c.966dupT).
Protein change: p.Val323fs; shifts the reading frame from valine 323.
Molecular consequence: frameshift variant.
Genome position (GRCh38, 1-based): chr9:127,824,825, A duplicated on the plus strand (T on the coding strand, the reverse complement: ENG is on the minus strand); the first of 2 consecutive A bases (chr9:127,824,825-127,824,826); duplicating either gives the same sequence. VCF-style (leftmost placement, unchanged base first): chr9-127824824-C-CA. GRCh37 (hg19) VCF-style: chr9-130587103-C-CA.
Other names: c.965dup, p.Val323Cysfs (NM_000118.4, NM_001406715.1); c.420dup, p.Val141fs (NM_001278138.2); short protein forms V323fs, V141fs.
Identifiers: ClinVar variation 2132287 (VCV002132287.4), dbSNP rs2539072708, ClinGen allele CA2580079633.
Genomic context (GRCh38, chr9:127,824,824, plus strand): 5'-GGGAAGGGAAGGGAGGGGCAGGGGAAGGGTGCTCACCGCAGCTGGAGGCATGAAGTGAGA[C>CA]AATGCTGGCCAGCGGTAGCTCCACGAAGGATGCCACAATGCTGGCATTGAGCATCCGGGC-3'